The following is an entry in ClinVar:

ClinVar aggregate classification (germline): Likely benign. Review status: criteria provided, single submitter (1 of 4 stars). 2 submissions from 2 submitters: Likely benign (1). 1 of the submissions does not count toward it. Last evaluated 2026-03-01.

Conditions:
TIAM1-related disorder. Also called: TIAM1-related condition.

Allele frequency attached by ClinVar (database versions not stated): TOPMed 0.00070; gnomAD 0.00076; ESP Exome Variant Server 0.00077; ExAC 0.00088; 1000 Genomes Project 0.00200; 1000 Genomes Project 30x 0.00203.
gnomAD v4.1: 1,241 of 1,614,200 alleles (0.077%); highest among the groups gnomAD compares: East Asian, 0.23%; 2 homozygotes.

Submissions (2):

CeGaT Center for Human Genetics Tuebingen
Classification: Likely benign. Last evaluated: 2026-03-01. Review status: criteria provided, single submitter. Criteria: CeGaT Center For Human Genetics Tuebingen Variant Classification Criteria Version 2. Collection method: clinical testing. Allele origin: germline. Affected: yes. Observed: 1 variant allele.
Comment: TIAM1: BP4

PreventionGenetics, part of Exact Sciences
Classification: Likely benign for TIAM1-related condition. Last evaluated: 2022-07-18. Review status: no assertion criteria provided. Collection method: clinical testing. Allele origin: germline. Not counted in ClinVar's aggregate classification.
Comment: This variant is classified as likely benign based on ACMG/AMP sequence variant interpretation guidelines (Richards et al. 2015 PMID: 25741868, with internal and published modifications).

NM_001353694.2(TIAM1):c.4705G>A (p.Ala1569Thr)

Gene: TIAM1 (TIAM Rac1 associated GEF 1; minus strand). Cytogenetic location: 21q22.11.
Variant type: single nucleotide variant.
Coding change: c.4705G>A on transcript NM_001353694.2 (MANE Select); coding-DNA position 4705, G replaced by A.
Protein change: p.Ala1569Thr; replaces alanine 1569 with threonine.
Molecular consequence: missense variant.
Genome position (GRCh38, 1-based): chr21:31,120,439, C>T on the plus strand (G>A on the coding strand, the complement: TIAM1 is on the minus strand). VCF-style: chr21-31120439-C-T. GRCh37 (hg19) VCF-style: chr21-32492757-C-T.
Other names: c.1804G>A, p.Ala602Thr (NM_001353684.2); c.1729G>A, p.Ala577Thr (NM_001353685.2); c.4630G>A, p.Ala1544Thr (NM_001353686.2, NM_001353687.2); c.4705G>A, p.Ala1569Thr (NM_001353688.1, NM_001353689.1, NM_001353690.1 and 4 more transcripts); short protein forms A1544T, A1569T, A577T, A602T.
Identifiers: ClinVar variation 3034617 (VCV003034617.6), dbSNP rs146645440, ClinGen allele CA9997423.